The following is an entry in ClinVar:

NM_130466.4(UBE3B):c.1064A>G (p.Asn355Ser)

Gene: UBE3B (ubiquitin protein ligase E3B; plus strand). Cytogenetic location: 12q24.11.
Variant type: single nucleotide variant.
Coding change: c.1064A>G on transcript NM_130466.4 (MANE Select); coding-DNA position 1064, A replaced by G.
Protein change: p.Asn355Ser; replaces asparagine 355 with serine.
Molecular consequence: missense variant.
Genome position (GRCh38, 1-based): chr12:109,499,756, A>G. VCF-style: chr12-109499756-A-G. GRCh37 (hg19) VCF-style: chr12-109937561-A-G.
Other names: c.1064A>G, p.Asn355Ser (NM_183415.3); c.1064A>G (NM_130466.2); short protein forms N355S.
Identifiers: ClinVar variation 2157419 (VCV002157419.5), dbSNP rs562290450, ClinGen allele CA243434779.
Genomic context (GRCh38, chr12:109,499,756, plus strand): 5'-TGAGTTTGCTCACCCAGACGCTGTGCTACTGTCGGAAGTATGTGTCTCAGAAGAAGTCCA[A>G]CCTGACCCACTGGCATCCTGTCCTTGGCTGGTTCTCCCAATCTGTGGATTATGGGTGAGT-3'
Protein context (NP_569733.2, residues 345-365): CRKYVSQKKS[Asn355Ser]LTHWHPVLGW

ClinVar aggregate classification (germline): Uncertain significance. Review status: criteria provided, multiple submitters, no conflicts (2 of 4 stars). 2 submissions from 2 submitters: Uncertain significance (2). Last evaluated 2025-10-15.

Conditions:
Inborn genetic diseases. Identifiers: MedGen C0950123, MeSH D030342.

Allele frequency attached by ClinVar (database versions not stated): gnomAD 0.00001; TOPMed 0.00002.
gnomAD v4.1: 32 of 1,611,656 alleles (0.002%); highest among the groups gnomAD compares: Non-Finnish European, 0.0024%; no homozygotes.

Submissions (2):

Ambry Genetics
Classification: Uncertain significance for Inborn genetic diseases. Last evaluated: 2025-10-15. Review status: criteria provided, single submitter. Criteria: Ambry Variant Classification Scheme 2023. Collection method: clinical testing. Allele origin: germline.

Labcorp Genetics (formerly Invitae), Labcorp
Classification: Uncertain significance. Last evaluated: 2023-11-27. Review status: criteria provided, single submitter. Criteria: Invitae Variant Classification Sherloc (09022015). Collection method: clinical testing. Allele origin: germline.
Comment: This sequence change replaces asparagine, which is neutral and polar, with serine, which is neutral and polar, at codon 355 of the UBE3B protein (p.Asn355Ser). This variant is present in population databases (rs562290450, gnomAD 0.002%). This variant has not been reported in the literature in individuals affected with UBE3B-related conditions. ClinVar contains an entry for this variant (Variation ID: 2157419). Advanced modeling of protein sequence and biophysical properties (such as structural, functional, and spatial information, amino acid conservation, physicochemical variation, residue mobility, and thermodynamic stability) performed at Invitae indicates that this missense variant is not expected to disrupt UBE3B protein function with a negative predictive value of 80%. In summary, the available evidence is currently insufficient to determine the role of this variant in disease. Therefore, it has been classified as a Variant of Uncertain Significance.